The following is an entry in ClinVar:

ClinVar aggregate classification (germline): Uncertain significance. Review status: criteria provided, multiple submitters, no conflicts (2 of 4 stars). 4 submissions from 4 submitters: Uncertain significance (3). 1 of the submissions does not count toward it. Last evaluated 2024-12-14.

Conditions:
Fanconi anemia (FA). Also called: Fanconi's anemia. Identifiers: Orphanet 84, MedGen C0015625, MeSH D005199, MONDO:0019391.
Inborn genetic diseases. Identifiers: MedGen C0950123, MeSH D030342.

Allele frequency attached by ClinVar (database versions not stated): gnomAD 0.00001.
gnomAD v4.1: 3 of 1,551,444 alleles (0.00019%); highest among the groups gnomAD compares: Non-Finnish European, 0.00026%; no homozygotes.

Submissions (4):

Ambry Genetics
Classification: Uncertain significance for Inborn genetic diseases. Last evaluated: 2024-12-14. Review status: criteria provided, single submitter. Criteria: Ambry Variant Classification Scheme 2023. Collection method: clinical testing. Allele origin: germline.
Comment: The p.N644Y variant (also known as c.1930A>T), located in coding exon 22 of the FANCA gene, results from an A to T substitution at nucleotide position 1930. The asparagine at codon 644 is replaced by tyrosine, an amino acid with dissimilar properties. This amino acid position is conserved. In addition, this alteration is predicted to be tolerated by in silico analysis. Based on the available evidence, the clinical significance of this variant remains unclear.

Sema4
Classification: Uncertain significance for Fanconi anemia. Last evaluated: 2022-01-06. Review status: criteria provided, single submitter. Criteria: Sema4 Curation Guidelines. Collection method: curation. Allele origin: germline.
Comment: The FANCA c.1930A>T (p.N644Y) variant has not been reported in the literature to our knowledge. It was not observed in the large and broad cohorts of the Genome Aggregation Database. The variant has been reported in ClinVar (Variation ID 934035). Functional studies have not been performed, and in silico predictions of the variant's effect on protein function are inconclusive. The evidence is insufficient to meet ACMG/AMP criteria for classifying the variant as benign or pathogenic. Thus, the clinical significance of this variant is currently uncertain.

Labcorp Genetics (formerly Invitae), Labcorp
Classification: Uncertain significance for Fanconi anemia. Last evaluated: 2021-09-01. Review status: criteria provided, single submitter. Criteria: Invitae Variant Classification Sherloc (09022015). Collection method: clinical testing. Allele origin: germline.
Comment: This sequence change replaces asparagine with tyrosine at codon 644 of the FANCA protein (p.Asn644Tyr). The asparagine residue is weakly conserved and there is a large physicochemical difference between asparagine and tyrosine. This variant is not present in population databases (ExAC no frequency). This variant has not been reported in the literature in individuals affected with FANCA-related conditions. Algorithms developed to predict the effect of missense changes on protein structure and function (SIFT, PolyPhen-2, Align-GVGD) all suggest that this variant is likely to be tolerated. In summary, the available evidence is currently insufficient to determine the role of this variant in disease. Therefore, it has been classified as a Variant of Uncertain Significance.

Natera, Inc.
Classification: Uncertain significance for Fanconi anemia. Last evaluated: 2020-08-19. Review status: no assertion criteria provided. Collection method: clinical testing. Allele origin: germline. Not counted in ClinVar's aggregate classification.

NM_000135.4(FANCA):c.1930A>T (p.Asn644Tyr)

Gene: FANCA (FA complementation group A; minus strand). Cytogenetic location: 16q24.3.
Variant type: single nucleotide variant.
Coding change: c.1930A>T on transcript NM_000135.4 (MANE Select); coding-DNA position 1930, A replaced by T.
Protein change: p.Asn644Tyr; replaces asparagine 644 with tyrosine.
Molecular consequence: missense variant.
Genome position (GRCh38, 1-based): chr16:89,773,355, T>A on the plus strand (A>T on the coding strand, the complement: FANCA is on the minus strand). VCF-style: chr16-89773355-T-A. GRCh37 (hg19) VCF-style: chr16-89839763-T-A.
Other names: c.1930A>T, p.Asn644Tyr (NM_001286167.3); short protein forms N644Y.
Identifiers: ClinVar variation 934035 (VCV000934035.9), dbSNP rs1293899212, ClinGen allele CA397450284.